The following is an entry in ClinVar:

ClinVar aggregate classification (germline): Uncertain significance. Review status: criteria provided, multiple submitters, no conflicts (2 of 4 stars). 2 submissions from 2 submitters: Uncertain significance (2). Last evaluated 2025-07-31.

Conditions:
Inborn genetic diseases. Identifiers: MedGen C0950123, MeSH D030342.

Allele frequency attached by ClinVar (database versions not stated): gnomAD 0.00001; gnomAD exomes 0.00005.
gnomAD v4.1: 9 of 1,114,890 alleles (0.00081%); highest among the groups gnomAD compares: African/African-American, 0.0085%; no homozygotes.

Submissions (2):

Labcorp Genetics (formerly Invitae), Labcorp
Classification: Uncertain significance. Last evaluated: 2025-07-31. Review status: criteria provided, single submitter. Criteria: Invitae Variant Classification Sherloc (09022015). Collection method: clinical testing. Allele origin: germline.
Comment: This sequence change replaces proline, which is neutral and non-polar, with serine, which is neutral and polar, at codon 1019 of the GRIN2D protein (p.Pro1019Ser). The frequency data for this variant in the population databases is considered unreliable, as metrics indicate poor data quality at this position in the gnomAD database. This variant has not been reported in the literature in individuals affected with GRIN2D-related conditions. ClinVar contains an entry for this variant (Variation ID: 1359301). Invitae Evidence Modeling of protein sequence and biophysical properties (such as structural, functional, and spatial information, amino acid conservation, physicochemical variation, residue mobility, and thermodynamic stability) indicates that this missense variant is not expected to disrupt GRIN2D protein function with a negative predictive value of 95%. In summary, the available evidence is currently insufficient to determine the role of this variant in disease. Therefore, it has been classified as a Variant of Uncertain Significance.

Ambry Genetics
Classification: Uncertain significance for Inborn genetic diseases. Last evaluated: 2025-04-17. Review status: criteria provided, single submitter. Criteria: Ambry Variant Classification Scheme 2023. Collection method: clinical testing. Allele origin: germline.

NM_000836.4(GRIN2D):c.3055C>T (p.Pro1019Ser)

Gene: GRIN2D (glutamate ionotropic receptor NMDA type subunit 2D; plus strand). Cytogenetic location: 19q13.33.
Variant type: single nucleotide variant.
Coding change: c.3055C>T on transcript NM_000836.4 (MANE Select); coding-DNA position 3055, C replaced by T.
Protein change: p.Pro1019Ser; replaces proline 1019 with serine.
Molecular consequence: missense variant.
Genome position (GRCh38, 1-based): chr19:48,442,981, C>T. VCF-style: chr19-48442981-C-T. GRCh37 (hg19) VCF-style: chr19-48946238-C-T.
Other names: c.3055C>T (NM_000836.2); short protein forms P1019S.
Identifiers: ClinVar variation 1359301 (VCV001359301.9), dbSNP rs1219504731, ClinGen allele CA406674789.